The following is an entry in ClinVar:

NM_144999.4(LRRC45):c.1669G>C (p.Glu557Gln)

Gene: LRRC45 (leucine rich repeat containing 45; plus strand). Cytogenetic location: 17q25.3.
Variant type: single nucleotide variant.
Coding change: c.1669G>C on transcript NM_144999.4 (MANE Select); coding-DNA position 1669, G replaced by C.
Protein change: p.Glu557Gln; replaces glutamic acid 557 with glutamine.
Molecular consequence: missense variant.
Genome position (GRCh38, 1-based): chr17:82,030,319, G>C. VCF-style: chr17-82030319-G-C. GRCh37 (hg19) VCF-style: chr17-79988195-G-C.
Other names: short protein forms E557Q.
Identifiers: ClinVar variation 5002269 (VCV005002269.1).
Genomic context (GRCh38, chr17:82,030,319, plus strand): 5'-GGGCCCCGGGCGTGCTAGCCCCCAACCCTCGCCTCACTCCCCAGCCTTCGTGCCTGGCAG[G>C]AGCTGAGCCTCAAGGACCAGGAAAGGGTGGCCGAGGTGAGCAGGGTGCGCGTGGAGCTGC-3'
Protein context (NP_659436.1, residues 547-567): LRRRLEELQQ[Glu557Gln]LSLKDQERVA

ClinVar aggregate classification (germline): Uncertain significance (1 of 4 stars; one submission).

Conditions:
LRRC45-related disorder. Also called: LRRC45-related condition.

Submission:

PreventionGenetics, part of Exact Sciences
Classification: Uncertain significance for LRRC45-related condition. Last evaluated: 2024-12-05. Review status: criteria provided, single submitter. Criteria: ACMG Guidelines, 2015. Collection method: clinical testing. Allele origin: germline.
Comment: The LRRC45 c.1669G>C variant is predicted to result in the amino acid substitution p.Glu557Gln. To our knowledge, this variant has not been reported in the literature or in a large population database (gnomAD), indicating this variant is rare. At this time, the clinical significance of this variant is uncertain due to the absence of conclusive functional and genetic evidence.